The following is an entry in ClinVar:

NM_000089.4(COL1A2):c.2225G>C (p.Gly742Ala)

Gene: COL1A2 (collagen type I alpha 2 chain; plus strand). Cytogenetic location: 7q21.3.
Variant type: single nucleotide variant.
Coding change: c.2225G>C on transcript NM_000089.4 (MANE Select); coding-DNA position 2225, G replaced by C.
Protein change: p.Gly742Ala; replaces glycine 742 with alanine.
Molecular consequence: missense variant.
Genome position (GRCh38, 1-based): chr7:94,420,578, G>C. VCF-style: chr7-94420578-G-C. GRCh37 (hg19) VCF-style: chr7-94049890-G-C.
Other names: short protein forms G742A.
Identifiers: ClinVar variation 3755352 (VCV003755352.2).

ClinVar aggregate classification (germline): Likely pathogenic (1 of 4 stars; one submission).

Conditions:
Ehlers-Danlos syndrome, classic type, 1 (EDSCL1). Also called: EHLERS-DANLOS SYNDROME, GRAVIS TYPE; EHLERS-DANLOS SYNDROME, SEVERE CLASSIC TYPE; Ehlers-Danlos syndrome, type 1; Ehlers-Danlos Syndrome, Classic Type, COL5A1-Related; EDS I. Identifiers: MedGen C0268335, MONDO:0019567, OMIM 130000.
Osteogenesis imperfecta type I (OI1). Also called: OI, TYPE I; OSTEOGENESIS IMPERFECTA TARDA; OSTEOGENESIS IMPERFECTA WITH BLUE SCLERAE; Osteogenesis imperfecta type 1; Lobstein's Disease; Lobstein disease. Identifiers: Orphanet 216796, Orphanet 666, MedGen C0023931, MONDO:0008146, OMIM 166200. Disease mechanism: loss of function.

Submission:

Labcorp Genetics (formerly Invitae), Labcorp
Classification: Likely pathogenic for Osteogenesis imperfecta type I; Ehlers-Danlos syndrome, classic type, 1. Last evaluated: 2024-07-08. Review status: criteria provided, single submitter. Criteria: Invitae Variant Classification Sherloc (09022015). Collection method: clinical testing. Allele origin: germline.
Comment: This sequence change replaces glycine, which is neutral and non-polar, with alanine, which is neutral and non-polar, at codon 742 of the COL1A2 protein (p.Gly742Ala). This variant is not present in population databases (gnomAD no frequency). This missense change has been observed in individual(s) with clinical features of osteogenesis imperfecta (Invitae). Advanced modeling of protein sequence and biophysical properties (such as structural, functional, and spatial information, amino acid conservation, physicochemical variation, residue mobility, and thermodynamic stability) performed at Invitae indicates that this missense variant is expected to disrupt COL1A2 protein function with a positive predictive value of 95%. This variant disrupts the triple helix domain of COL1A2. Glycine residues within the Gly-Xaa-Yaa repeats of the triple helix domain are required for the structure and stability of fibrillar collagens (PMID: 7695699, 8218237, 19344236). In COL1A2, variants affecting these glycine residues are significantly enriched in individuals with disease (PMID: 9016532, 17078022) compared to the general population (ExAC). This variant disrupts the p.Gly742 amino acid residue in COL1A2. Other variant(s) that disrupt this residue have been observed in individuals with COL1A2-related conditions (PMID: 31447884, 32335875; Invitae), which suggests that this may be a clinically significant amino acid residue. In summary, the currently available evidence indicates that the variant is pathogenic, but additional data are needed to prove that conclusively. Therefore, this variant has been classified as Likely Pathogenic.

Literature cited by the submitters: PubMed 7695699; PubMed 8218237; PubMed 19344236; PubMed 9016532; PubMed 17078022; PubMed 31447884; PubMed 32335875.